The following is an entry in ClinVar:

NM_005996.4(TBX3):c.1637C>G (p.Ala546Gly)

Gene: TBX3 (T-box transcription factor 3; minus strand). Cytogenetic location: 12q24.21.
Variant type: single nucleotide variant.
Coding change: c.1637C>G on transcript NM_005996.4 (MANE Select); coding-DNA position 1637, C replaced by G.
Protein change: p.Ala546Gly; replaces alanine 546 with glycine.
Molecular consequence: missense variant.
Genome position (GRCh38, 1-based): chr12:114,674,238, G>C on the plus strand (C>G on the coding strand, the complement: TBX3 is on the minus strand). VCF-style: chr12-114674238-G-C. GRCh37 (hg19) VCF-style: chr12-115112043-G-C.
Other names: c.1697C>G, p.Ala566Gly (NM_016569.4); short protein forms A566G, A546G.
Identifiers: ClinVar variation 1028466 (VCV001028466.1), dbSNP rs372029833, ClinGen allele CA386868535.

ClinVar aggregate classification (germline): Uncertain significance (1 of 4 stars; one submission).

Conditions:
Ulnar-mammary syndrome (UMS). Also called: SCHINZEL SYNDROME; Ulnar-mammary syndrome of Pallister; PALLISTER ULNAR-MAMMARY SYNDROME. Identifiers: Orphanet 3138, MedGen C1866994, MONDO:0008411, OMIM 181450.

gnomAD v4.1: 2 of 1,575,346 alleles (0.00013%); highest among the groups gnomAD compares: African/African-American, 0.0027%; no homozygotes.

Submission:

Baylor Genetics
Classification: Uncertain significance for Ulnar-mammary syndrome. Last evaluated: 2019-09-06. Review status: criteria provided, single submitter. Criteria: ACMG Guidelines, 2015. Collection method: clinical testing. Allele origin: unknown. Affected: yes.
Comment: This variant was determined to be of uncertain significance according to ACMG Guidelines, 2015 [PMID:25741868].